The following is an entry in ClinVar:

NM_003873.7(NRP1):c.815-5T>C

Gene: NRP1 (neuropilin 1; minus strand). Cytogenetic location: 10p11.22.
Variant type: single nucleotide variant.
Coding change: c.815-5T>C on transcript NM_003873.7 (MANE Select); 5 bases into the intron before coding-DNA position 815, T replaced by C.
Molecular consequence: intron variant.
Genome position (GRCh38, 1-based): chr10:33,254,199, A>G on the plus strand (T>C on the coding strand, the complement: NRP1 is on the minus strand). VCF-style: chr10-33254199-A-G. GRCh37 (hg19) VCF-style: chr10-33543127-A-G.
Other names: c.815-5T>C (NM_001244973.2, NM_001244972.2, NM_001330068.2 and 2 more transcripts).
Identifiers: ClinVar variation 3347019 (VCV003347019.1).

ClinVar aggregate classification (germline): Likely benign (0 of 4 stars; one submission).

Conditions:
NRP1-related disorder. Also called: NRP1-related condition.

Submission:

PreventionGenetics, part of Exact Sciences
Classification: Likely benign for NRP1-related condition. Last evaluated: 2024-09-04. Review status: no assertion criteria provided. Collection method: clinical testing. Allele origin: germline.
Comment: This variant is classified as likely benign based on ACMG/AMP sequence variant interpretation guidelines (Richards et al. 2015 PMID: 25741868, with internal and published modifications).